The following is an entry in ClinVar:

ClinVar aggregate classification (germline): Uncertain significance (1 of 4 stars; one submission).

Conditions:
Epidermolysis bullosa simplex 5B, with muscular dystrophy (EBS5B). Also called: EPIDERMOLYSIS BULLOSA SIMPLEX AND LIMB-GIRDLE MUSCULAR DYSTROPHY; Epidermolysis bullosa simplex with muscular dystrophy. Identifiers: Orphanet 257, MedGen C2931072, MONDO:0009181, OMIM 226670.
Epidermolysis bullosa simplex 5C, with pyloric atresia (EBS5C). Also called: PLEC1-Related Epidermolysis Bullosa with Pyloric Atresia; PLEC-Related Epidermolysis Bullosa with Pyloric Atresia; Epidermolysis bullosa simplex with pyloric atresia. Identifiers: Orphanet 158684, MedGen C2677349, MONDO:0012807, OMIM 612138.
Epidermolysis bullosa simplex, Ogna type (EBS5A). Also called: Pidermolysis bullosa simplex 5A, Ogna type; EPIDERMOLYSIS BULLOSA SIMPLEX 5A, OGNA TYPE. Identifiers: Orphanet 79401, MedGen C0432317, MONDO:0007555, OMIM 131950.
Autosomal recessive limb-girdle muscular dystrophy type 2Q (LGMDR17). Also called: MUSCULAR DYSTROPHY, LIMB-GIRDLE, AUTOSOMAL RECESSIVE 17. Identifiers: Orphanet 254361, MedGen C3150989, MONDO:0013390, OMIM 613723.
Epidermolysis bullosa simplex with nail dystrophy (EBS5D). Identifiers: MedGen C4225309, MONDO:0014661, OMIM 616487.

gnomAD v4.1: 1 of 1,574,150 alleles (0.000064%); highest among the groups gnomAD compares: East Asian, 0.0023%; no homozygotes.

Submission:

Labcorp Genetics (formerly Invitae), Labcorp
Classification: Uncertain significance for Autosomal recessive limb-girdle muscular dystrophy type 2Q; Epidermolysis bullosa simplex, Ogna type; Epidermolysis bullosa simplex with nail dystrophy; Epidermolysis bullosa simplex 5C, with pyloric atresia; Epidermolysis bullosa simplex 5B, with muscular dystrophy. Last evaluated: 2022-06-27. Review status: criteria provided, single submitter. Criteria: Invitae Variant Classification Sherloc (09022015). Collection method: clinical testing. Allele origin: germline.
Comment: In summary, the available evidence is currently insufficient to determine the role of this variant in disease. Therefore, it has been classified as a Variant of Uncertain Significance. Algorithms developed to predict the effect of missense changes on protein structure and function output the following: SIFT: "Tolerated"; PolyPhen-2: "Not Available"; Align-GVGD: "Class C0". The leucine amino acid residue is found in multiple mammalian species, which suggests that this missense change does not adversely affect protein function. This variant has not been reported in the literature in individuals affected with PLEC-related conditions. This variant is not present in population databases (gnomAD no frequency). This sequence change replaces methionine, which is neutral and non-polar, with leucine, which is neutral and non-polar, at codon 830 of the PLEC protein (p.Met830Leu).

NM_201384.3(PLEC):c.2407A>C (p.Met803Leu)

Gene: PLEC (plectin; minus strand). Cytogenetic location: 8q24.3.
Variant type: single nucleotide variant.
Coding change: c.2407A>C on transcript NM_201384.3 (MANE Select); coding-DNA position 2407, A replaced by C.
Protein change: p.Met803Leu; replaces methionine 803 with leucine.
Molecular consequence: missense variant.
Genome position (GRCh38, 1-based): chr8:143,930,434, T>G on the plus strand (A>C on the coding strand, the complement: PLEC is on the minus strand). VCF-style: chr8-143930434-T-G. GRCh37 (hg19) VCF-style: chr8-145004602-T-G.
Other names: c.2488A>C, p.Met830Leu (NM_000445.5); c.2365A>C, p.Met789Leu (NM_201378.4); c.2341A>C, p.Met781Leu (NM_201379.3); c.2818A>C, p.Met940Leu (NM_201380.4); c.2311A>C, p.Met771Leu (NM_201381.3); c.2407A>C, p.Met803Leu (NM_201382.4); c.2419A>C, p.Met807Leu (NM_201383.3); short protein forms M807L, M830L, M771L, M781L, M789L, M803L, M940L.
Identifiers: ClinVar variation 1493783 (VCV001493783.8), dbSNP rs1554713831, ClinGen allele CA372574595.